The following is an entry in ClinVar:

NM_003477.3(PDHX):c.641+4T>C

Gene: PDHX (pyruvate dehydrogenase complex component X; plus strand). Cytogenetic location: 11p13.
Variant type: single nucleotide variant.
Coding change: c.641+4T>C on transcript NM_003477.3 (MANE Select); 4 bases into the intron after coding-DNA position 641, T replaced by C.
Molecular consequence: intron variant.
Genome position (GRCh38, 1-based): chr11:34,960,522, T>C. VCF-style: chr11-34960522-T-C. GRCh37 (hg19) VCF-style: chr11-34982069-T-C.
Other names: c.461+4T>C (NM_001135024.2); c.342+12916T>C (NM_001166158.2).
Identifiers: ClinVar variation 304470 (VCV000304470.20), dbSNP rs2767035, ClinGen allele CA5945936.

ClinVar aggregate classification (germline): Benign. Review status: criteria provided, multiple submitters, no conflicts (2 of 4 stars). 5 submissions from 5 submitters: Benign (4). 1 of the submissions does not count toward it. Last evaluated 2026-02-04.

Conditions:
Pyruvate dehydrogenase E3-binding protein deficiency (PDHXD). Also called: PYRUVATE HYDROGENASE E3-BINDING PROTEIN DEFICIENCY; E3-Binding Protein (Component X) Deficiency; LACTIC ACIDEMIA DUE TO DEFECT IN LIPOYL-CONTAINING COMPONENT X OF THE PYRUVATE DEHYDROGENASE COMPLEX; Lacticacidemia due to PDX1 deficiency. Identifiers: Orphanet 255182, MedGen C1855553, MONDO:0009503, OMIM 245349.

Allele frequency attached by ClinVar (database versions not stated): ESP Exome Variant Server 0.00885; gnomAD exomes 0.02614 and 0.05317; gnomAD 0.02645 and 0.02993; TOPMed 0.03438; ExAC 0.04824; 1000 Genomes Project 30x 0.07230; 1000 Genomes Project 0.07827.
gnomAD v4.1: 41,346 of 1,546,708 alleles (2.7%); highest among the groups gnomAD compares: East Asian, 34%; 3,244 homozygotes.

Submissions (5):

Labcorp Genetics (formerly Invitae), Labcorp
Classification: Benign. Last evaluated: 2026-02-04. Review status: criteria provided, single submitter. Criteria: Invitae Variant Classification Sherloc (09022015). Collection method: clinical testing. Allele origin: germline.

Illumina Laboratory Services, Illumina
Classification: Benign for Pyruvate dehydrogenase E3-binding protein deficiency. Last evaluated: 2018-01-12. Review status: criteria provided, single submitter. Criteria: ICSL Variant Classification Criteria 13 December 2019. Collection method: clinical testing. Allele origin: germline.
Comment: This variant was observed in the ICSL laboratory as part of a predisposition screen in an ostensibly healthy population. It had not been previously curated by ICSL or reported in the Human Gene Mutation Database (HGMD: prior to June 1st, 2018), and was therefore a candidate for classification through an automated scoring system. Utilizing variant allele frequency, disease prevalence and penetrance estimates, and inheritance mode, an automated score was calculated to assess if this variant is too frequent to cause the disease. Based on the score and internal cut-off values, a variant classified as benign is not then subjected to further curation. The score for this variant resulted in a classification of benign for this disease.

GeneDx
Classification: Benign. Last evaluated: 2015-03-03. Review status: criteria provided, single submitter. Criteria: GeneDx Variant Classification Process June 2021. Collection method: clinical testing. Allele origin: germline. Affected: yes.

Breakthrough Genomics
Classification: Benign. Review status: criteria provided, single submitter. Criteria: ACMG Guidelines, 2015. Collection method: not provided. Allele origin: germline. Inheritance: Autosomal recessive inheritance. Affected: yes.

Mayo Clinic Laboratories, Mayo Clinic
Classification: Benign. Last evaluated: 2017-09-06. Review status: no assertion criteria provided. Collection method: clinical testing. Allele origin: unknown. Not counted in ClinVar's aggregate classification.